The following is an entry in ClinVar:

ClinVar aggregate classification (germline): Uncertain significance (1 of 4 stars; one submission).

Conditions:
Arrhythmogenic right ventricular dysplasia 9 (ARVD9). Also called: Arrhythmogenic Right Ventricular Dysplasia/Cardiomyopathy 9; ARRHYTHMOGENIC RIGHT VENTRICULAR DYSPLASIA, FAMILIAL, 9. Identifiers: MedGen C1836906, MONDO:0012180, OMIM 609040.

Submission:

Labcorp Genetics (formerly Invitae), Labcorp
Classification: Uncertain significance for Arrhythmogenic right ventricular dysplasia 9. Last evaluated: 2017-08-09. Review status: criteria provided, single submitter. Criteria: Invitae Variant Classification Sherloc (09022015). Collection method: clinical testing. Allele origin: germline.
Comment: In summary, the available evidence is currently insufficient to determine the role of this variant in disease. Therefore, it has been classified as a Variant of Uncertain Significance. Algorithms developed to predict the effect of missense changes on protein structure and function (SIFT, PolyPhen-2, Align-GVGD) all suggest that this variant is likely to be tolerated, but these predictions have not been confirmed by published functional studies and their clinical significance is uncertain. This variant has not been reported in the literature in individuals with PKP2-related disease. This variant is not present in population databases (ExAC no frequency). This sequence change replaces lysine with glutamine at codon 456 of the PKP2 protein (p.Lys456Gln). The lysine residue is moderately conserved and there is a small physicochemical difference between lysine and glutamine.

NM_001005242.3(PKP2):c.1366A>C (p.Lys456Gln)

Gene: PKP2 (plakophilin 2; minus strand). Cytogenetic location: 12p11.21.
Variant type: single nucleotide variant.
Coding change: c.1366A>C on transcript NM_001005242.3 (MANE Select); coding-DNA position 1366, A replaced by C.
Protein change: p.Lys456Gln; replaces lysine 456 with glutamine.
Molecular consequence: missense variant.
Genome position (GRCh38, 1-based): chr12:32,850,778, T>G on the plus strand (A>C on the coding strand, the complement: PKP2 is on the minus strand). VCF-style: chr12-32850778-T-G. GRCh37 (hg19) VCF-style: chr12-33003712-T-G.
Other names: c.1366A>C, p.Lys456Gln (NM_004572.4); short protein forms K456Q.
Identifiers: ClinVar variation 464410 (VCV000464410.8), dbSNP rs1555145493, ClinGen allele CA384369584.